The following is an entry in ClinVar:

ClinVar aggregate classification (germline): Likely benign (1 of 4 stars; one submission).

Allele frequency attached by ClinVar (database versions not stated): gnomAD 0.00003; gnomAD exomes 0.00003; TOPMed 0.00003; ExAC 0.00004; ESP Exome Variant Server 0.00008.
gnomAD v4.1: 55 of 1,611,186 alleles (0.0034%); highest among the groups gnomAD compares: Middle Eastern, 0.033%; 1 homozygote.

Submission:

CeGaT Center for Human Genetics Tuebingen
Classification: Likely benign. Last evaluated: 2023-01-01. Review status: criteria provided, single submitter. Criteria: CeGaT Center For Human Genetics Tuebingen Variant Classification Criteria Version 2. Collection method: clinical testing. Allele origin: germline. Affected: yes. Observed: 1 variant allele.
Comment: UBR4: BP4, BP7

NM_020765.3(UBR4):c.8610C>T (p.Asp2870=)

Gene: UBR4 (ubiquitin protein ligase E3 component n-recognin 4; minus strand). Cytogenetic location: 1p36.13.
Variant type: single nucleotide variant.
Coding change: c.8610C>T on transcript NM_020765.3 (MANE Select); coding-DNA position 8610, C replaced by T.
Protein change: p.Asp2870=; no amino-acid change (aspartic acid 2870 retained).
Molecular consequence: synonymous variant.
Genome position (GRCh38, 1-based): chr1:19,139,204, G>A on the plus strand (C>T on the coding strand, the complement: UBR4 is on the minus strand). VCF-style: chr1-19139204-G-A. GRCh37 (hg19) VCF-style: chr1-19465698-G-A.
Identifiers: ClinVar variation 2638419 (VCV002638419.24), dbSNP rs369965775, ClinGen allele CA649668.